The following is an entry in ClinVar:

NM_205850.3(SLC24A5):c.629A>T (p.Tyr210Phe)

Genes: MYEF2 (myelin expression factor 2; minus strand), SLC24A5 (solute carrier family 24 member 5; plus strand). Cytogenetic location: 15q21.1.
Variant type: single nucleotide variant.
Coding change: c.629A>T on transcript NM_205850.3 (MANE Select); coding-DNA position 629, A replaced by T.
Protein change: p.Tyr210Phe; replaces tyrosine 210 with phenylalanine.
Molecular consequence: missense variant. On other transcripts: 3 prime UTR variant (2).
Genome position (GRCh38, 1-based): chr15:48,136,721, A>T. VCF-style: chr15-48136721-A-T. GRCh37 (hg19) VCF-style: chr15-48428918-A-T.
Other names: c.*6187T>A (NM_001301210.2, NM_016132.5); short protein forms Y210F.
Identifiers: ClinVar variation 1936815 (VCV001936815.5), dbSNP rs1211989352, ClinGen allele CA392451247.

ClinVar aggregate classification (germline): Uncertain significance (1 of 4 stars; one submission).

Allele frequency attached by ClinVar (database versions not stated): gnomAD 0.00001; TOPMed 0.00002.
gnomAD v4.1: 2 of 1,613,104 alleles (0.00012%); highest among the groups gnomAD compares: African/African-American, 0.0027%; no homozygotes.

Submission:

Labcorp Genetics (formerly Invitae), Labcorp
Classification: Uncertain significance. Last evaluated: 2022-04-30. Review status: criteria provided, single submitter. Criteria: Invitae Variant Classification Sherloc (09022015). Collection method: clinical testing. Allele origin: germline.
Comment: In summary, the available evidence is currently insufficient to determine the role of this variant in disease. Therefore, it has been classified as a Variant of Uncertain Significance. Algorithms developed to predict the effect of missense changes on protein structure and function are either unavailable or do not agree on the potential impact of this missense change (SIFT: "Deleterious"; PolyPhen-2: "Probably Damaging"; Align-GVGD: "Class C15"). This variant has not been reported in the literature in individuals affected with SLC24A5-related conditions. This variant is not present in population databases (gnomAD no frequency). This sequence change replaces tyrosine, which is neutral and polar, with phenylalanine, which is neutral and non-polar, at codon 210 of the SLC24A5 protein (p.Tyr210Phe).